The following is an entry in ClinVar:

NM_014241.4(HACD1):c.394+3G>A

Gene: HACD1 (3-hydroxyacyl-CoA dehydratase 1; minus strand). Cytogenetic location: 10p12.33.
Variant type: single nucleotide variant.
Coding change: c.394+3G>A on transcript NM_014241.4 (MANE Select); 3 bases into the intron after coding-DNA position 394, G replaced by A.
Molecular consequence: intron variant.
Genome position (GRCh38, 1-based): chr10:17,603,723, C>T on the plus strand (G>A on the coding strand, the complement: HACD1 is on the minus strand). VCF-style: chr10-17603723-C-T. GRCh37 (hg19) VCF-style: chr10-17645722-C-T.
Identifiers: ClinVar variation 1435880 (VCV001435880.6), dbSNP rs1217910067, ClinGen allele CA592181119.

ClinVar aggregate classification (germline): Uncertain significance (1 of 4 stars; one submission).

Allele frequency attached by ClinVar (database versions not stated): gnomAD exomes below 0.00001; TOPMed below 0.00001; gnomAD 0.00001.
gnomAD v4.1: 2 of 1,600,802 alleles (0.00012%); highest among the groups gnomAD compares: Non-Finnish European, 0.00017%; no homozygotes.

Submission:

Labcorp Genetics (formerly Invitae), Labcorp
Classification: Uncertain significance. Last evaluated: 2021-06-30. Review status: criteria provided, single submitter. Criteria: Invitae Variant Classification Sherloc (09022015). Collection method: clinical testing. Allele origin: germline.
Comment: In summary, the available evidence is currently insufficient to determine the role of this variant in disease. Therefore, it has been classified as a Variant of Uncertain Significance. Nucleotide substitutions within the consensus splice site are a relatively common cause of aberrant splicing (PMID: 17576681, 9536098). Algorithms developed to predict the effect of sequence changes on RNA splicing suggest that this variant is not likely to affect RNA splicing. This variant has not been reported in the literature in individuals affected with HACD1-related conditions. This variant is not present in population databases (ExAC no frequency). This sequence change falls in intron 3 of the HACD1 gene. It does not directly change the encoded amino acid sequence of the HACD1 protein. It affects a nucleotide within the consensus splice site of the intron.

Literature cited by the submitters: PubMed 17576681; PubMed 9536098.